The following is an entry in ClinVar:

NM_001844.5(COL2A1):c.1998A>C (p.Gly666=)

Gene: COL2A1 (collagen type II alpha 1 chain; minus strand). Cytogenetic location: 12q13.11.
Variant type: single nucleotide variant.
Coding change: c.1998A>C on transcript NM_001844.5 (MANE Select); coding-DNA position 1998, A replaced by C.
Protein change: p.Gly666=; no amino-acid change (glycine 666 retained).
Molecular consequence: synonymous variant.
Genome position (GRCh38, 1-based): chr12:47,983,436, T>G on the plus strand (A>C on the coding strand, the complement: COL2A1 is on the minus strand). VCF-style: chr12-47983436-T-G. GRCh37 (hg19) VCF-style: chr12-48377219-T-G.
Other names: c.1791A>C, p.Gly597= (NM_033150.3).
Identifiers: ClinVar variation 4856637 (VCV004856637.1).
Genomic context (GRCh38, chr12:47,983,436, plus strand): 5'-CATACTCACCTGGTCACCTGGTTTTCCACCTTCACCTGGGGGACCAGGAGGGCCAGGAAG[T>G]CCCTAGAAGCCGAAGTGACAAGCGTTAGCAAAGGAGTGAGTTTGCTGCCCTGGCCCCCAG-3'
Protein context (NP_001835.3, residues 656-676): QGAPGPSGFQ[Gly666=]LPGPPGPPGE

ClinVar aggregate classification (germline): Uncertain significance (1 of 4 stars; one submission).

Conditions:
Spondyloepiphyseal dysplasia, Stanescu type. Also called: SED, STANESCU TYPE; SPONDYLOEPIMETAPHYSEAL DYSPLASIA, STANESCU TYPE. Identifiers: Orphanet 459051, MedGen C4225273, MONDO:0014701, OMIM 616583.

Submission:

Ozbek Human Genetics Laboratory, Izmir Biomedicine and Genome Center
Classification: Uncertain significance for Spondyloepiphyseal dysplasia, Stanescu type. Last evaluated: 2026-02-09. Review status: criteria provided, single submitter. Criteria: ACMG Guidelines, 2015. Collection method: research. Allele origin: de novo. Affected: yes. Observed: 1 variant allele, 1 heterozygote.
Comment: A heterozygous de novo p.Gly666= synonymous variant was detected in exon 31 of the COL2A1 gene (NM_001844.5). This variant has never been observed in population databases (PM2). In silico algorithms (SpliceAI) predict that this variant does not have a splicing-disruptive effect (BP7). Based on this information, this variant is classified as a Variant of Uncertain Significance (VUS) according to ACMG criteria. The COL2A1 gene is associated with "Spondyloepiphyseal dysplasia, Stanescu type" in the OMIM database. Data obtained via the RAREBOOST project (Horizon 2020 ERA Chairs at Izmir Biomedicine and Genome Center - IBG)